The following is an entry in ClinVar:

ClinVar aggregate classification (germline): Uncertain significance (1 of 4 stars; one submission).

Conditions:
Nance-Horan syndrome (NHS). Identifiers: Orphanet 627, MedGen C0796085, MONDO:0010545, OMIM 302350.

Allele frequency attached by ClinVar (database versions not stated): TOPMed 0.00003; gnomAD exomes 0.00004; ExAC 0.00001; gnomAD 0.00002.
gnomAD v4.1: 48 of 1,209,464 alleles (0.004%); highest among the groups gnomAD compares: South Asian, 0.007%; no homozygotes.

Submission:

Labcorp Genetics (formerly Invitae), Labcorp
Classification: Uncertain significance for Nance-Horan syndrome. Last evaluated: 2024-07-10. Review status: criteria provided, single submitter. Criteria: Invitae Variant Classification Sherloc (09022015). Collection method: clinical testing. Allele origin: germline.
Comment: This sequence change replaces valine, which is neutral and non-polar, with isoleucine, which is neutral and non-polar, at codon 594 of the NHS protein (p.Val594Ile). This variant is present in population databases (rs767956070, gnomAD 0.005%), including at least one homozygous and/or hemizygous individual. This variant has not been reported in the literature in individuals affected with NHS-related conditions. ClinVar contains an entry for this variant (Variation ID: 2146395). Advanced modeling of protein sequence and biophysical properties (such as structural, functional, and spatial information, amino acid conservation, physicochemical variation, residue mobility, and thermodynamic stability) performed at Invitae indicates that this missense variant is not expected to disrupt NHS protein function with a negative predictive value of 80%. In summary, the available evidence is currently insufficient to determine the role of this variant in disease. Therefore, it has been classified as a Variant of Uncertain Significance.

NM_001291867.2(NHS):c.1843G>A (p.Val615Ile)

Gene: NHS (NHS actin remodeling regulator; plus strand). Cytogenetic location: Xp22.13.
Variant type: single nucleotide variant.
Coding change: c.1843G>A on transcript NM_001291867.2 (MANE Select); coding-DNA position 1843, G replaced by A.
Protein change: p.Val615Ile; replaces valine 615 with isoleucine.
Molecular consequence: missense variant.
Genome position (GRCh38, 1-based): chrX:17,725,949, G>A. VCF-style: chrX-17725949-G-A. GRCh37 (hg19) VCF-style: chrX-17744069-G-A.
Other names: c.1312G>A, p.Val438Ile (NM_001136024.4); c.1249G>A, p.Val417Ile (NM_001291868.2); c.1780G>A, p.Val594Ile (NM_198270.4); short protein forms V417I, V438I, V594I, V615I.
Identifiers: ClinVar variation 2146395 (VCV002146395.4), dbSNP rs767956070, ClinGen allele CA10358667.